The following is an entry in ClinVar:

NM_015450.3(POT1):c.77A>G (p.Tyr26Cys)

Gene: POT1 (protection of telomeres 1; minus strand). Cytogenetic location: 7q31.33.
Variant type: single nucleotide variant.
Coding change: c.77A>G on transcript NM_015450.3 (MANE Select); coding-DNA position 77, A replaced by G.
Protein change: p.Tyr26Cys; replaces tyrosine 26 with cysteine.
Molecular consequence: missense variant. On other transcripts: 5 prime UTR variant (1), non-coding transcript variant (3).
Genome position (GRCh38, 1-based): chr7:124,892,313, T>C on the plus strand (A>G on the coding strand, the complement: POT1 is on the minus strand). VCF-style: chr7-124892313-T-C. GRCh37 (hg19) VCF-style: chr7-124532367-T-C.
Other names: c.-186A>G (NM_001042594.2); short protein forms Y26C.
Identifiers: ClinVar variation 475102 (VCV000475102.13), dbSNP rs1197625483, ClinGen allele CA369066118.
Genomic context (GRCh38, chr7:124,892,313, plus strand): 5'-TTTTAATACCTACCAGTTCCTTTGCTTAGATATGGGGGCTTAAAGAACTTCACAACACCA[T>C]AGACATTGACAATTGTACCACCCTTAAGTTGATTCAGGGGTGTATATATATAATTTGTTG-3'
Protein context (NP_056265.2, residues 16-36): QLKGGTIVNV[Tyr26Cys]GVVKFFKPPY

ClinVar aggregate classification (germline): Uncertain significance. Review status: criteria provided, multiple submitters, no conflicts (2 of 4 stars). 4 submissions from 4 submitters: Uncertain significance (4). Last evaluated 2025-10-09.

Conditions:
Tumor predisposition syndrome 3 (TPDS3). Also called: LONG TELOMERE SYNDROME, POT1-RELATED; POT1 Tumor Predisposition; Melanoma, cutaneous malignant, susceptibility to, 10; Glioma susceptibility 9. Identifiers: Orphanet 618, MedGen C4014476, MONDO:0014368, OMIM 615848.
Hereditary cancer-predisposing syndrome. Also called: Neoplastic Syndromes, Hereditary; Tumor predisposition; Hereditary neoplastic syndrome; Hereditary Cancer Syndrome. Identifiers: Orphanet 140162, MedGen C0027672, MeSH D009386, MONDO:0015356.

Allele frequency attached by ClinVar (database versions not stated): gnomAD exomes below 0.00001; gnomAD 0.00001.
gnomAD v4.1: 2 of 1,544,122 alleles (0.00013%); highest among the groups gnomAD compares: South Asian, 0.0013%; no homozygotes.

Submissions (4):

Dasa
Classification: Uncertain significance. Last evaluated: 2025-10-09. Review status: criteria provided, single submitter. Criteria: DASA Assertion Criteria. Collection method: clinical testing. Allele origin: germline.
Comment: NM_015450.3(POT1):c.77A>G (p.Tyr26Cys) is a missense variant that results in the substitution of tyrosine with cysteine. This variant is rare in population databases. The currently available literature and clinical evidence are not sufficient to establish a definitive association between this variant and the reported condition. Therefore, this variant is classified as a variant of uncertain significance.

Center for Genomic Medicine, Rigshospitalet, Copenhagen University Hospital
Classification: Uncertain significance. Last evaluated: 2025-03-04. Review status: criteria provided, single submitter. Criteria: ACMG Guidelines, 2015. Collection method: clinical testing. Allele origin: germline.

Labcorp Genetics (formerly Invitae), Labcorp
Classification: Uncertain significance for Tumor predisposition syndrome 3. Last evaluated: 2025-02-17. Review status: criteria provided, single submitter. Criteria: Invitae Variant Classification Sherloc (09022015). Collection method: clinical testing. Allele origin: germline.
Comment: This sequence change replaces tyrosine, which is neutral and polar, with cysteine, which is neutral and slightly polar, at codon 26 of the POT1 protein (p.Tyr26Cys). The frequency data for this variant in the population databases is considered unreliable, as metrics indicate poor data quality at this position in the gnomAD database. This missense change has been observed in individual(s) with clinical features of POT1-related conditions (internal data). ClinVar contains an entry for this variant (Variation ID: 475102). Invitae Evidence Modeling of protein sequence and biophysical properties (such as structural, functional, and spatial information, amino acid conservation, physicochemical variation, residue mobility, and thermodynamic stability) indicates that this missense variant is not expected to disrupt POT1 protein function with a negative predictive value of 80%. In summary, the available evidence is currently insufficient to determine the role of this variant in disease. Therefore, it has been classified as a Variant of Uncertain Significance.

Ambry Genetics
Classification: Uncertain significance for Hereditary cancer-predisposing syndrome. Last evaluated: 2024-07-28. Review status: criteria provided, single submitter. Criteria: Ambry Variant Classification Scheme 2023. Collection method: clinical testing. Allele origin: germline.
Comment: The p.Y26C variant (also known as c.77A>G), located in coding exon 2 of the POT1 gene, results from an A to G substitution at nucleotide position 77. The tyrosine at codon 26 is replaced by cysteine, an amino acid with highly dissimilar properties. This amino acid position is conserved. In addition, this alteration is predicted to be deleterious by in silico analysis. Since supporting evidence is limited at this time, the clinical significance of this alteration remains unclear.